The following is an entry in ClinVar:

ClinVar aggregate classification (germline): Conflicting classifications of pathogenicity. Review status: criteria provided, conflicting classifications (1 of 4 stars). 2 submissions from 2 submitters: Uncertain significance (1); Likely benign (1). Last evaluated 2026-01-12.

Conditions:
Autosomal recessive limb-girdle muscular dystrophy type 2J (LGMDR10). Also called: Limb-girdle muscular dystrophy, type 2J; MUSCULAR DYSTROPHY, LIMB-GIRDLE, AUTOSOMAL RECESSIVE 10. Identifiers: Orphanet 140922, MedGen C1837342, MONDO:0012127, OMIM 608807.
Dilated cardiomyopathy 1G (CMD1G). Identifiers: Orphanet 154, MedGen C1858763, MONDO:0011400, OMIM 604145.

Allele frequency attached by ClinVar (database versions not stated): gnomAD exomes 0.00001; gnomAD 0.00002; TOPMed 0.00001.
gnomAD v4.1: 11 of 1,596,108 alleles (0.00069%); highest among the groups gnomAD compares: Non-Finnish European, 0.00085%; no homozygotes.

Submissions (2):

Labcorp Genetics (formerly Invitae), Labcorp
Classification: Likely benign for Dilated cardiomyopathy 1G; Autosomal recessive limb-girdle muscular dystrophy type 2J. Last evaluated: 2026-01-12. Review status: criteria provided, single submitter. Criteria: Invitae Variant Classification Sherloc (09022015). Collection method: clinical testing. Allele origin: germline.

GeneDx
Classification: Uncertain significance. Last evaluated: 2024-07-30. Review status: criteria provided, single submitter. Criteria: GeneDx Variant Classification Process June 2021. Collection method: clinical testing. Allele origin: germline.
Comment: Not observed at significant frequency in large population cohorts (gnomAD); In silico analysis supports a deleterious effect on splicing; Has not been previously published as pathogenic or benign to our knowledge

NM_001267550.2(TTN):c.34787-5T>C

Gene: TTN (titin; minus strand). Cytogenetic location: 2q31.2.
Variant type: single nucleotide variant.
Coding change: c.34787-5T>C on transcript NM_001267550.2 (MANE Select); 5 bases into the intron before coding-DNA position 34787, T replaced by C.
Molecular consequence: intron variant.
Genome position (GRCh38, 1-based): chr2:178,672,708, A>G on the plus strand (T>C on the coding strand, the complement: TTN is on the minus strand). VCF-style: chr2-178672708-A-G. GRCh37 (hg19) VCF-style: chr2-179537435-A-G.
Other names: c.13283-30391T>C (NM_003319.4); c.13859-30391T>C (NM_133437.4); c.13658-30391T>C (NM_133432.3); c.30884-5T>C (NM_133378.4); c.33665-5T>C (NM_001256850.1).
Identifiers: ClinVar variation 1118079 (VCV001118079.11), dbSNP rs1488977812, ClinGen allele CA538094225.
Genomic context (GRCh38, chr2:178,672,708, plus strand): 5'-TGCCTCTTTTTTCTGAACAGGAACAGGTACTTTTTCCTCAGGAATTTTCTTTGACACTTT[A>G]AAGATATTAGGTGTTTTAGTTAGCTGAGAATGTTCAATAACACACATGAAATAAAAACAC-3'